The following is an entry in ClinVar:

NM_020937.4(FANCM):c.3040G>T (p.Gly1014Cys)

Gene: FANCM (FA complementation group M; plus strand). Cytogenetic location: 14q21.2.
Variant type: single nucleotide variant.
Coding change: c.3040G>T on transcript NM_020937.4 (MANE Select); coding-DNA position 3040, G replaced by T.
Protein change: p.Gly1014Cys; replaces glycine 1014 with cysteine.
Molecular consequence: missense variant.
Genome position (GRCh38, 1-based): chr14:45,175,794, G>T. VCF-style: chr14-45175794-G-T. GRCh37 (hg19) VCF-style: chr14-45644997-G-T.
Other names: c.3040G>T (LRG_502t1); c.2962G>T, p.Gly988Cys (NM_001308133.2); short protein forms G1014C, G988C.
Identifiers: ClinVar variation 241319 (VCV000241319.28), dbSNP rs77532752, ClinGen allele CA7169450.

ClinVar aggregate classification (germline): Benign/Likely benign. Review status: criteria provided, multiple submitters, no conflicts (2 of 4 stars). 6 submissions from 6 submitters: Benign (3); Likely benign (2). 1 of the submissions does not count toward it. Last evaluated 2026-03-01.

Conditions:
FANCM-related disorder. Also called: FANCM-related condition.
Fanconi anemia (FA). Also called: Fanconi's anemia. Identifiers: Orphanet 84, MedGen C0015625, MeSH D005199, MONDO:0019391.

Allele frequency attached by ClinVar (database versions not stated): gnomAD exomes 0.00039 and 0.00106; ExAC 0.00137; ESP Exome Variant Server 0.00369; gnomAD 0.00375 and 0.00398; TOPMed 0.00420; 1000 Genomes Project 30x 0.00468; 1000 Genomes Project 0.00499.
gnomAD v4.1: 1,162 of 1,613,592 alleles (0.072%); highest among the groups gnomAD compares: African/African-American, 1.4%; 9 homozygotes.

Submissions (6):

CeGaT Center for Human Genetics Tuebingen
Classification: Likely benign. Last evaluated: 2026-03-01. Review status: criteria provided, single submitter. Criteria: CeGaT Center For Human Genetics Tuebingen Variant Classification Criteria Version 2. Collection method: clinical testing. Allele origin: germline. Affected: yes. Observed: 1 variant allele.
Comment: FANCM: BP4, BS1

Labcorp Genetics (formerly Invitae), Labcorp
Classification: Benign for Fanconi anemia. Last evaluated: 2026-01-27. Review status: criteria provided, single submitter. Criteria: Invitae Variant Classification Sherloc (09022015). Collection method: clinical testing. Allele origin: germline.

Quest Diagnostics Nichols Institute San Juan Capistrano
Classification: Benign. Last evaluated: 2025-08-29. Review status: criteria provided, single submitter. Criteria: Quest Diagnostics criteria. Collection method: clinical testing. Allele origin: unknown.

GeneDx
Classification: Likely benign. Last evaluated: 2021-09-09. Review status: criteria provided, single submitter. Criteria: GeneDx Variant Classification Process June 2021. Collection method: clinical testing. Allele origin: germline. Affected: yes.

Genetic Services Laboratory, University of Chicago
Classification: Benign. Last evaluated: 2020-11-25. Review status: criteria provided, single submitter. Criteria: ACMG Guidelines, 2015. Collection method: clinical testing. Allele origin: germline. Affected: no.

PreventionGenetics, part of Exact Sciences
Classification: Benign for FANCM-related condition. Last evaluated: 2019-06-04. Review status: no assertion criteria provided. Collection method: clinical testing. Allele origin: germline. Not counted in ClinVar's aggregate classification.
Comment: This variant is classified as benign based on ACMG/AMP sequence variant interpretation guidelines (Richards et al. 2015 PMID: 25741868, with internal and published modifications).

Literature cited by the submitters: PubMed 33471991 (cited by Quest Diagnostics Nichols Institute San Juan Capistrano); PubMed 36707629 (cited by Quest Diagnostics Nichols Institute San Juan Capistrano).